The following is an entry in ClinVar:

ClinVar aggregate classification (germline): Uncertain significance (1 of 4 stars; one submission).

Conditions:
Dextro-looped transposition of the great arteries. Also called: Dextrotransposition of the great arteries. Identifiers: Orphanet 860, MedGen C3531771, MONDO:0019443, OMIM 608808, HP:0031348.

Submission:

Labcorp Genetics (formerly Invitae), Labcorp
Classification: Uncertain significance for Dextro-looped transposition of the great arteries. Last evaluated: 2024-12-02. Review status: criteria provided, single submitter. Criteria: Invitae Variant Classification Sherloc (09022015). Collection method: clinical testing. Allele origin: germline.
Comment: This sequence change replaces methionine, which is neutral and non-polar, with isoleucine, which is neutral and non-polar, at codon 1782 of the MED13L protein (p.Met1782Ile). This variant is not present in population databases (gnomAD no frequency). This variant has not been reported in the literature in individuals affected with MED13L-related conditions. ClinVar contains an entry for this variant (Variation ID: 2193599). Invitae Evidence Modeling of protein sequence and biophysical properties (such as structural, functional, and spatial information, amino acid conservation, physicochemical variation, residue mobility, and thermodynamic stability) indicates that this missense variant is not expected to disrupt MED13L protein function with a negative predictive value of 80%. In summary, the available evidence is currently insufficient to determine the role of this variant in disease. Therefore, it has been classified as a Variant of Uncertain Significance.

NM_015335.5(MED13L):c.5346G>A (p.Met1782Ile)

Gene: MED13L (mediator complex subunit 13L; minus strand). Cytogenetic location: 12q24.21.
Variant type: single nucleotide variant.
Coding change: c.5346G>A on transcript NM_015335.5 (MANE Select); coding-DNA position 5346, G replaced by A.
Protein change: p.Met1782Ile; replaces methionine 1782 with isoleucine.
Molecular consequence: missense variant.
Genome position (GRCh38, 1-based): chr12:115,980,768, C>T on the plus strand (G>A on the coding strand, the complement: MED13L is on the minus strand). VCF-style: chr12-115980768-C-T. GRCh37 (hg19) VCF-style: chr12-116418573-C-T.
Other names: short protein forms M1782I.
Identifiers: ClinVar variation 2193599 (VCV002193599.4), dbSNP rs2499816025, ClinGen allele CA386879991.
Genomic context (GRCh38, chr12:115,980,768, plus strand): 5'-TTTAGTATAAATTTTCTAAGTTTCTGTCCTGCCAATACCTACCTCAGGGTTCTTGAGGGT[C>T]ATCTCAATGCTGGCTGCAGGCCCAAATCCCGTGAGGGATTTAATGTGGATCTGTGTAGGC-3'
Protein context (NP_056150.1, residues 1772-1792): TGFGPAASIE[Met1782Ile]TLKNPERPSP